The following is an entry in ClinVar:

ClinVar aggregate classification (germline): Benign/Likely benign. Review status: criteria provided, multiple submitters, no conflicts (2 of 4 stars). 7 submissions from 7 submitters: Benign (1); Likely benign (6). Last evaluated 2026-09-01.

Conditions:
Anemia, congenital dyserythropoietic, type 1a (CDAN1A). Also called: DYSERYTHROPOIETIC ANEMIA, CONGENITAL, TYPE Ia; CDAN1-Related Congenital Dyserythropoietic Anemia. Identifiers: MedGen C5574667, MONDO:0009135, OMIM 224120.
Congenital dyserythropoietic anemia, type I. Also called: Dyserythropoietic anemia, congenital type 1. Identifiers: Orphanet 98869, MedGen C0271933, MONDO:0020337. Disease mechanism: loss of function.

Allele frequency attached by ClinVar (database versions not stated): 1000 Genomes Project 30x 0.00250; 1000 Genomes Project 0.00280; gnomAD 0.00344; ExAC 0.00387; TOPMed 0.00408.
gnomAD v4.1: 9,535 of 1,515,716 alleles (0.63%); highest among the groups gnomAD compares: Non-Finnish European, 0.77%; 38 homozygotes.

Submissions (7):

CeGaT Center for Human Genetics Tuebingen
Classification: Likely benign. Last evaluated: 2026-09-01. Review status: criteria provided, single submitter. Criteria: CeGaT Center For Human Genetics Tuebingen Variant Classification Criteria Version 2. Collection method: clinical testing. Allele origin: germline. Affected: yes. Observed: 4 variant alleles.
Comment: CDAN1: BP4, BP7, BS2

Labcorp Genetics (formerly Invitae), Labcorp
Classification: Benign. Last evaluated: 2026-01-22. Review status: criteria provided, single submitter. Criteria: Invitae Variant Classification Sherloc (09022015). Collection method: clinical testing. Allele origin: germline.

Mayo Clinic Laboratories, Mayo Clinic
Classification: Likely benign. Last evaluated: 2025-12-04. Review status: criteria provided, single submitter. Criteria: ACMG Guidelines, 2015. Collection method: clinical testing. Allele origin: germline. Observed: 17 variant alleles.
Comment: BP4, BP7

ARUP Laboratories, Molecular Genetics and Genomics, ARUP Laboratories
Classification: Likely benign for Anemia, congenital dyserythropoietic, type 1a. Last evaluated: 2025-07-03. Review status: criteria provided, single submitter. Criteria: ARUP Molecular Germline Variant Investigation Process 2024. Collection method: clinical testing. Allele origin: germline.

Blueprint Genetics
Classification: Likely benign. Last evaluated: 2024-11-26. Review status: criteria provided, single submitter. Criteria: ACMG Guidelines, 2015. Collection method: clinical testing. Allele origin: germline.

Illumina Laboratory Services, Illumina
Classification: Likely benign for Anemia, congenital dyserythropoietic, type 1a. Last evaluated: 2018-01-13. Review status: criteria provided, single submitter. Criteria: ICSL Variant Classification Criteria 13 December 2019. Collection method: clinical testing. Allele origin: germline.
Comment: This variant was observed in the ICSL laboratory as part of a predisposition screen in an ostensibly healthy population. It had not been previously curated by ICSL or reported in the Human Gene Mutation Database (HGMD: prior to June 1st, 2018), and was therefore a candidate for classification through an automated scoring system. Utilizing variant allele frequency, disease prevalence and penetrance estimates, and inheritance mode, an automated score was calculated to assess if this variant is too frequent to cause the disease. Based on the score and internal cut-off values, a variant classified as likely benign is not then subjected to further curation. The score for this variant resulted in a classification of likely benign for this disease.

Breakthrough Genomics
Classification: Likely benign. Review status: criteria provided, single submitter. Criteria: ACMG Guidelines, 2015. Collection method: not provided. Allele origin: germline. Inheritance: Autosomal recessive inheritance. Affected: yes.

NM_138477.4(CDAN1):c.237G>C (p.Ser79=)

Genes: CDAN1 (codanin 1; minus strand), LOC130056931 (ATAC-STARR-seq lymphoblastoid silent region 6376; plus strand). Cytogenetic location: 15q15.2.
Variant type: single nucleotide variant.
Coding change: c.237G>C on transcript NM_138477.4 (MANE Select); coding-DNA position 237, G replaced by C.
Protein change: p.Ser79=; no amino-acid change (serine 79 retained).
Molecular consequence: synonymous variant.
Genome position (GRCh38, 1-based): chr15:42,736,634, C>G on the plus strand (G>C on the coding strand, the complement: CDAN1 is on the minus strand). VCF-style: chr15-42736634-C-G. GRCh37 (hg19) VCF-style: chr15-43028832-C-G.
Other names: p.Ser79=; c.237G>C, p.Ser79= (LRG_1164t1).
Identifiers: ClinVar variation 315955 (VCV000315955.50), dbSNP rs180857061, ClinGen allele CA7516430.
Genomic context (GRCh38, chr15:42,736,634, plus strand): 5'-CTGGCTGCGCGCCCCGCGGCTACCCCGCGGCGGGCCTCCCGGCCTCCCTGGCAAGGCTGC[C>G]GAGGCGCCCGGGGTCTTGGCGGGGGTCGGGGGCCCCTGCGGGAGGACGCGGCTGCTCTGC-3'
Protein context (NP_612486.2, residues 69-89): PPTPAKTPGA[Ser79=]AALPGRPGGP